The following is an entry in ClinVar:

ClinVar aggregate classification (germline): Uncertain significance (1 of 4 stars; one submission).

Conditions:
Epilepsy, familial focal, with variable foci 3 (FFEVF3). Identifiers: MedGen C4310708, MONDO:0014925, OMIM 617118.

gnomAD v4.1: 1 of 1,596,036 alleles (0.000063%); highest among the groups gnomAD compares: Non-Finnish European, 0.000085%; no homozygotes.

Submission:

Labcorp Genetics (formerly Invitae), Labcorp
Classification: Uncertain significance for Epilepsy, familial focal, with variable foci 3. Last evaluated: 2020-09-17. Review status: criteria provided, single submitter. Criteria: Invitae Variant Classification Sherloc (09022015). Collection method: clinical testing. Allele origin: germline.
Comment: This sequence change replaces serine with arginine at codon 438 of the NPRL3 protein (p.Ser438Arg). The serine residue is moderately conserved and there is a moderate physicochemical difference between serine and arginine. This variant is not present in population databases (ExAC no frequency). This variant has not been reported in the literature in individuals with NPRL3-related conditions. Experimental studies and prediction algorithms are not available or were not evaluated, and the functional significance of this variant is currently unknown. In summary, the available evidence is currently insufficient to determine the role of this variant in disease. Therefore, it has been classified as a Variant of Uncertain Significance.

NM_001077350.3(NPRL3):c.1314C>A (p.Ser438Arg)

Genes: HBA-LCR (alpha-globin locus control region; plus strand), NPRL3 (NPR3 like, GATOR1 complex subunit; minus strand). Cytogenetic location: 16p13.3.
Variant type: single nucleotide variant.
Coding change: c.1314C>A on transcript NM_001077350.3 (MANE Select); coding-DNA position 1314, C replaced by A.
Protein change: p.Ser438Arg; replaces serine 438 with arginine.
Molecular consequence: missense variant.
Genome position (GRCh38, 1-based): chr16:89,750, G>T on the plus strand (C>A on the coding strand, the complement: NPRL3 is on the minus strand). VCF-style: chr16-89750-G-T. GRCh37 (hg19) VCF-style: chr16-139748-G-T.
Other names: c.777C>A, p.Ser259Arg (NM_001039476.3); c.1080C>A, p.Ser360Arg (NM_001243247.2); c.1239C>A, p.Ser413Arg (NM_001243248.2, NM_001243249.2); short protein forms S259R, S360R, S413R, S438R.
Identifiers: ClinVar variation 1061334 (VCV001061334.2), dbSNP rs1336372042, ClinGen allele CA394050820.